The following is an entry in ClinVar:

NM_000264.5(PTCH1):c.1164C>T (p.Asn388=)

Gene: PTCH1 (patched 1; minus strand). Cytogenetic location: 9q22.32.
Variant type: single nucleotide variant.
Coding change: c.1164C>T on transcript NM_000264.5 (MANE Select); coding-DNA position 1164, C replaced by T.
Protein change: p.Asn388=; no amino-acid change (asparagine 388 retained).
Molecular consequence: synonymous variant. On other transcripts: non-coding transcript variant (1).
Genome position (GRCh38, 1-based): chr9:95,479,051, G>A on the plus strand (C>T on the coding strand, the complement: PTCH1 is on the minus strand). VCF-style: chr9-95479051-G-A. GRCh37 (hg19) VCF-style: chr9-98241333-G-A.
Other names: c.966C>T, p.Asn322= (NM_001083602.3); c.1161C>T, p.Asn387= (NM_001083603.3); c.711C>T, p.Asn237= (NM_001083604.3, NM_001083605.3, NM_001083606.3 and 1 more transcripts); c.1164C>T, p.Asn388= (NM_001354918.2).
Identifiers: ClinVar variation 486196 (VCV000486196.23), dbSNP rs201602238, ClinGen allele CA5138752.

ClinVar aggregate classification (germline): Likely benign. Review status: criteria provided, multiple submitters, no conflicts (2 of 4 stars). 4 submissions from 4 submitters: Likely benign (3). 1 of the submissions does not count toward it. Last evaluated 2026-02-03.

Conditions:
Hereditary cancer-predisposing syndrome. Also called: Tumor predisposition; Neoplastic Syndromes, Hereditary; Hereditary Cancer Syndrome; Hereditary neoplastic syndrome. Identifiers: Orphanet 140162, MedGen C0027672, MeSH D009386, MONDO:0015356.
Gorlin syndrome. Also called: Basal cell nevus syndrome; Nevoid Basal Cell Carcinoma Syndrome. Identifiers: Orphanet 377, MedGen C0004779, MONDO:0007187.
PTCH1-related disorder. Also called: PTCH1-related disorders; PTCH1-related condition.

Allele frequency attached by ClinVar (database versions not stated): ExAC 0.00002; gnomAD exomes 0.00002 and 0.00004; gnomAD 0.00003; TOPMed 0.00007; ESP Exome Variant Server 0.00008; 1000 Genomes Project 30x 0.00016; 1000 Genomes Project 0.00020.
gnomAD v4.1: 33 of 1,614,126 alleles (0.002%); highest among the groups gnomAD compares: Admixed American, 0.018%; no homozygotes.

Submissions (4):

Labcorp Genetics (formerly Invitae), Labcorp
Classification: Likely benign for Gorlin syndrome. Last evaluated: 2026-02-03. Review status: criteria provided, single submitter. Criteria: Invitae Variant Classification Sherloc (09022015). Collection method: clinical testing. Allele origin: germline.

Sema4
Classification: Likely benign for Hereditary cancer-predisposing syndrome. Last evaluated: 2021-06-04. Review status: criteria provided, single submitter. Criteria: Sema4 Curation Guidelines. Collection method: curation. Allele origin: germline.

Ambry Genetics
Classification: Likely benign for Hereditary cancer-predisposing syndrome. Last evaluated: 2017-09-13. Review status: criteria provided, single submitter. Criteria: Ambry Variant Classification Scheme 2023. Collection method: clinical testing. Allele origin: germline.

PreventionGenetics, part of Exact Sciences
Classification: Likely benign for PTCH1-related condition. Last evaluated: 2020-10-14. Review status: no assertion criteria provided. Collection method: clinical testing. Allele origin: germline. Not counted in ClinVar's aggregate classification.
Comment: This variant is classified as likely benign based on ACMG/AMP sequence variant interpretation guidelines (Richards et al. 2015 PMID: 25741868, with internal and published modifications).